The following is an entry in ClinVar:

NM_001005242.3(PKP2):c.1999del (p.Ala667fs)

Gene: PKP2 (plakophilin 2; minus strand). Cytogenetic location: 12p11.21.
Variant type: Deletion.
Coding change: c.1999del on transcript NM_001005242.3 (MANE Select); coding-DNA position 1999, one base deleted (G; older notation c.1999delG).
Protein change: p.Ala667fs; shifts the reading frame from alanine 667.
Molecular consequence: frameshift variant.
Genome position (GRCh38, 1-based): chr12:32,821,370, C deleted on the plus strand (G on the coding strand, the reverse complement: PKP2 is on the minus strand); the first of 2 consecutive C bases (chr12:32,821,370-32,821,371); deleting either gives the same sequence. VCF-style (leftmost placement, unchanged base first): chr12-32821369-GC-G. GRCh37 (hg19) VCF-style: chr12-32974303-GC-G.
Other names: c.1999del, p.Ala667fs (NM_001407155.1, NM_001407161.1); c.1834del, p.Ala612fs (NM_001407156.1); c.2131del, p.Ala711fs (NM_001407157.1, NM_004572.4); c.1672del, p.Ala558fs (NM_001407158.1, NM_001407159.1, NM_001407160.1 and 1 more transcripts); short protein forms A667fs, A711fs, A558fs, A612fs.
Identifiers: ClinVar variation 3692835 (VCV003692835.2).

ClinVar aggregate classification (germline): Pathogenic (1 of 4 stars; one submission).

Conditions:
Arrhythmogenic right ventricular dysplasia 9 (ARVD9). Also called: Arrhythmogenic Right Ventricular Dysplasia/Cardiomyopathy 9; ARRHYTHMOGENIC RIGHT VENTRICULAR DYSPLASIA, FAMILIAL, 9. Identifiers: MedGen C1836906, MONDO:0012180, OMIM 609040.

Submission:

Labcorp Genetics (formerly Invitae), Labcorp
Classification: Pathogenic for Arrhythmogenic right ventricular dysplasia 9. Last evaluated: 2024-08-21. Review status: criteria provided, single submitter. Criteria: Invitae Variant Classification Sherloc (09022015). Collection method: clinical testing. Allele origin: germline.
Comment: This sequence change creates a premature translational stop signal (p.Ala711Profs*35) in the PKP2 gene. It is expected to result in an absent or disrupted protein product. Loss-of-function variants in PKP2 are known to be pathogenic (PMID: 15489853, 17041889, 23911551). This variant is not present in population databases (gnomAD no frequency). This variant has not been reported in the literature in individuals affected with PKP2-related conditions. For these reasons, this variant has been classified as Pathogenic.

Literature cited by the submitters: PubMed 15489853; PubMed 17041889; PubMed 23911551.